The following is an entry in ClinVar:

ClinVar aggregate classification (germline): Likely benign (0 of 4 stars; one submission).

Conditions:
SHANK3-related disorder. Also called: SHANK3-related condition.

Submission:

PreventionGenetics, part of Exact Sciences
Classification: Likely benign for SHANK3-related condition. Last evaluated: 2024-06-26. Review status: no assertion criteria provided. Collection method: clinical testing. Allele origin: germline.
Comment: This variant is classified as likely benign based on ACMG/AMP sequence variant interpretation guidelines (Richards et al. 2015 PMID: 25741868, with internal and published modifications).

NM_001372044.2(SHANK3):c.4803C>T (p.Ala1601=)

Gene: SHANK3 (SH3 and multiple ankyrin repeat domains 3; plus strand). Cytogenetic location: 22q13.33.
Variant type: single nucleotide variant.
Coding change: c.4803C>T on transcript NM_001372044.2 (MANE Select); coding-DNA position 4803, C replaced by T.
Protein change: p.Ala1601=; no amino-acid change (alanine 1601 retained).
Molecular consequence: synonymous variant.
Genome position (GRCh38, 1-based): chr22:50,722,411, C>T. VCF-style: chr22-50722411-C-T. GRCh37 (hg19) VCF-style: chr22-51160839-C-T.
Other names: c.4578C>T (NM_033517.1).
Identifiers: ClinVar variation 3344173 (VCV003344173.1).